The following is an entry in ClinVar:

NM_203408.4(FAM47A):c.720A>T (p.Pro240=)

Gene: FAM47A (family with sequence similarity 47 member A; minus strand). Cytogenetic location: Xp21.1.
Variant type: single nucleotide variant.
Coding change: c.720A>T on transcript NM_203408.4 (MANE Select); coding-DNA position 720, A replaced by T.
Protein change: p.Pro240=; no amino-acid change (proline 240 retained).
Molecular consequence: synonymous variant.
Genome position (GRCh38, 1-based): chrX:34,131,559, T>A on the plus strand (A>T on the coding strand, the complement: FAM47A is on the minus strand). VCF-style: chrX-34131559-T-A. GRCh37 (hg19) VCF-style: chrX-34149676-T-A.
Identifiers: ClinVar variation 4280744 (VCV004280744.7).

ClinVar aggregate classification (germline): Likely benign (1 of 4 stars; one submission).

Submission:

CeGaT Center for Human Genetics Tuebingen
Classification: Likely benign. Last evaluated: 2025-09-01. Review status: criteria provided, single submitter. Criteria: CeGaT Center For Human Genetics Tuebingen Variant Classification Criteria Version 2. Collection method: clinical testing. Allele origin: germline. Affected: yes. Observed: 1 variant allele.
Comment: FAM47A: BP4, BP7